The following is an entry in ClinVar:

NM_001374353.1(GLI2):c.3296A>T (p.Asn1099Ile)

Gene: GLI2 (GLI family zinc finger 2; plus strand). Cytogenetic location: 2q14.2.
Variant type: single nucleotide variant.
Coding change: c.3296A>T on transcript NM_001374353.1 (MANE Select); coding-DNA position 3296, A replaced by T.
Protein change: p.Asn1099Ile; replaces asparagine 1099 with isoleucine.
Molecular consequence: missense variant.
Genome position (GRCh38, 1-based): chr2:120,989,261, A>T. VCF-style: chr2-120989261-A-T. GRCh37 (hg19) VCF-style: chr2-121746837-A-T.
Other names: c.3347A>T, p.Asn1116Ile (NM_001371271.1, NM_005270.5); c.2921A>T, p.Asn974Ile (NM_001374354.1); short protein forms N1099I, N1116I, N974I.
Identifiers: ClinVar variation 3391706 (VCV003391706.1).

ClinVar aggregate classification (germline): Uncertain significance (1 of 4 stars; one submission).

Submission:

GeneDx
Classification: Uncertain significance. Last evaluated: 2024-06-18. Review status: criteria provided, single submitter. Criteria: GeneDx Variant Classification Process June 2021. Collection method: clinical testing. Allele origin: germline. Affected: yes.
Comment: Not observed at significant frequency in large population cohorts (gnomAD); In silico analysis supports that this missense variant has a deleterious effect on protein structure/function; Has not been previously published as pathogenic or benign to our knowledge